The following is an entry in ClinVar:

NM_003718.5(CDK13):c.62A>G (p.Lys21Arg)

Gene: CDK13 (cyclin dependent kinase 13; plus strand). Cytogenetic location: 7p14.1.
Variant type: single nucleotide variant.
Coding change: c.62A>G on transcript NM_003718.5 (MANE Select); coding-DNA position 62, A replaced by G.
Protein change: p.Lys21Arg; replaces lysine 21 with arginine.
Molecular consequence: missense variant.
Genome position (GRCh38, 1-based): chr7:39,950,703, A>G. VCF-style: chr7-39950703-A-G. GRCh37 (hg19) VCF-style: chr7-39990302-A-G.
Other names: c.62A>G, p.Lys21Arg (NM_031267.4); short protein forms K21R.
Identifiers: ClinVar variation 3714601 (VCV003714601.3).

ClinVar aggregate classification (germline): Uncertain significance (1 of 4 stars; one submission).

gnomAD v4.1: 2 of 1,448,158 alleles (0.00014%); highest among the groups gnomAD compares: Admixed American, 0.0054%; no homozygotes.

Submissions (2):

Labcorp Genetics (formerly Invitae), Labcorp
Classification: Uncertain significance. Last evaluated: 2024-08-23. Review status: criteria provided, single submitter. Criteria: Invitae Variant Classification Sherloc (09022015). Collection method: clinical testing. Allele origin: germline.
Comment: This sequence change replaces lysine, which is basic and polar, with arginine, which is basic and polar, at codon 21 of the CDK13 protein (p.Lys21Arg). The frequency data for this variant in the population databases is considered unreliable, as metrics indicate poor data quality at this position in the gnomAD database. This variant has not been reported in the literature in individuals affected with CDK13-related conditions. Invitae Evidence Modeling of protein sequence and biophysical properties (such as structural, functional, and spatial information, amino acid conservation, physicochemical variation, residue mobility, and thermodynamic stability) indicates that this missense variant is not expected to disrupt CDK13 protein function with a negative predictive value of 95%. In summary, the available evidence is currently insufficient to determine the role of this variant in disease. Therefore, it has been classified as a Variant of Uncertain Significance.

Dr. Peter K. Rogan Lab, Western University
No classification provided (evidence only). Condition: Ovarian serous cystadenocarcinoma. Review status: no classification provided. Collection method: in vitro. Allele origin: not applicable. Functional consequence: retained intron. Not counted in ClinVar's aggregate classification.